The following is an entry in ClinVar:

ClinVar aggregate classification (germline): Uncertain significance (1 of 4 stars; one submission).

Conditions:
Dyskeratosis congenita, autosomal recessive 6 (DKCB6). Identifiers: MedGen C4225356, MONDO:0014600, OMIM 616353.
Pulmonary fibrosis and/or bone marrow failure, Telomere-related, 4. Also called: PULMONARY FIBROSIS AND/OR BONE MARROW FAILURE SYNDROME, TELOMERE-RELATED, 4. Identifiers: Orphanet 2032, MedGen C4225347, MONDO:0014612, OMIM 616371.

Allele frequency attached by ClinVar (database versions not stated): ExAC 0.00001; gnomAD exomes below 0.00001.
gnomAD v4.1: 1 of 1,612,560 alleles (0.000062%); highest among the groups gnomAD compares: East Asian, 0.0022%; no homozygotes.

Submission:

Labcorp Genetics (formerly Invitae), Labcorp
Classification: Uncertain significance for Dyskeratosis congenita, autosomal recessive 6; Pulmonary fibrosis and/or bone marrow failure, Telomere-related, 4. Last evaluated: 2025-03-31. Review status: criteria provided, single submitter. Criteria: Invitae Variant Classification Sherloc (09022015). Collection method: clinical testing. Allele origin: germline.
Comment: This sequence change replaces serine, which is neutral and polar, with glycine, which is neutral and non-polar, at codon 486 of the PARN protein (p.Ser486Gly). This variant is present in population databases (rs753338523, gnomAD 0.006%). This variant has not been reported in the literature in individuals affected with PARN-related conditions. ClinVar contains an entry for this variant (Variation ID: 2930431). Invitae Evidence Modeling of protein sequence and biophysical properties (such as structural, functional, and spatial information, amino acid conservation, physicochemical variation, residue mobility, and thermodynamic stability) indicates that this missense variant is not expected to disrupt PARN protein function with a negative predictive value of 80%. In summary, the available evidence is currently insufficient to determine the role of this variant in disease. Therefore, it has been classified as a Variant of Uncertain Significance.

NM_002582.4(PARN):c.1456A>G (p.Ser486Gly)

Gene: PARN (poly(A)-specific ribonuclease; minus strand). Cytogenetic location: 16p13.12.
Variant type: single nucleotide variant.
Coding change: c.1456A>G on transcript NM_002582.4 (MANE Select); coding-DNA position 1456, A replaced by G.
Protein change: p.Ser486Gly; replaces serine 486 with glycine.
Molecular consequence: missense variant.
Genome position (GRCh38, 1-based): chr16:14,552,045, T>C on the plus strand (A>G on the coding strand, the complement: PARN is on the minus strand). VCF-style: chr16-14552045-T-C. GRCh37 (hg19) VCF-style: chr16-14645902-T-C.
Other names: c.1273A>G, p.Ser425Gly (NM_001134477.3); c.1318A>G, p.Ser440Gly (NM_001242992.2); short protein forms S425G, S440G, S486G.
Identifiers: ClinVar variation 2930431 (VCV002930431.3), dbSNP rs753338523, ClinGen allele CA7912016.